The following is an entry in ClinVar:

ClinVar aggregate classification (germline): Likely benign. Review status: criteria provided, single submitter (1 of 4 stars). 2 submissions from 2 submitters: Likely benign (1). 1 of the submissions does not count toward it. Last evaluated 2025-12-27.

Conditions:
TNNI3K-related disorder. Also called: TNNI3K-related condition.

Allele frequency attached by ClinVar (database versions not stated): gnomAD exomes 0.00001 and 0.00003; ExAC 0.00002; gnomAD 0.00013; TOPMed 0.00022; 1000 Genomes Project 30x 0.00031; 1000 Genomes Project 0.00040.
gnomAD v4.1: 39 of 1,613,338 alleles (0.0024%); highest among the groups gnomAD compares: African/African-American, 0.027%; no homozygotes.

Submissions (2):

Labcorp Genetics (formerly Invitae), Labcorp
Classification: Likely benign. Last evaluated: 2025-12-27. Review status: criteria provided, single submitter. Criteria: Invitae Variant Classification Sherloc (09022015). Collection method: clinical testing. Allele origin: germline.

PreventionGenetics, part of Exact Sciences
Classification: Likely benign for TNNI3K-related condition. Last evaluated: 2023-12-06. Review status: no assertion criteria provided. Collection method: clinical testing. Allele origin: germline. Not counted in ClinVar's aggregate classification.
Comment: This variant is classified as likely benign based on ACMG/AMP sequence variant interpretation guidelines (Richards et al. 2015 PMID: 25741868, with internal and published modifications).

NM_015978.3(TNNI3K):c.1911G>A (p.Thr637=)

Genes: FPGT-TNNI3K (FPGT-TNNI3K readthrough; plus strand), TNNI3K (TNNI3 interacting kinase; plus strand). Cytogenetic location: 1p31.1.
Variant type: single nucleotide variant.
Coding change: c.1911G>A on transcript NM_015978.3 (MANE Select); coding-DNA position 1911, G replaced by A.
Protein change: p.Thr637=; no amino-acid change (threonine 637 retained).
Molecular consequence: synonymous variant.
Genome position (GRCh38, 1-based): chr1:74,439,522, G>A. VCF-style: chr1-74439522-G-A. GRCh37 (hg19) VCF-style: chr1-74905206-G-A.
Other names: c.2214G>A, p.Thr738= (NM_001112808.3, NM_001199327.2).
Identifiers: ClinVar variation 1539712 (VCV001539712.10), dbSNP rs182792522, ClinGen allele CA909513.